The following is an entry in ClinVar:

ClinVar aggregate classification (germline): Uncertain significance (1 of 4 stars; one submission).

gnomAD v4.1: 4 of 1,614,006 alleles (0.00025%); highest among the groups gnomAD compares: Non-Finnish European, 0.00034%; no homozygotes.

Submission:

Labcorp Genetics (formerly Invitae), Labcorp
Classification: Uncertain significance. Last evaluated: 2022-11-29. Review status: criteria provided, single submitter. Criteria: Invitae Variant Classification Sherloc (09022015). Collection method: clinical testing. Allele origin: germline.
Comment: This variant has not been reported in the literature in individuals affected with SORL1-related conditions. In summary, the available evidence is currently insufficient to determine the role of this variant in disease. Therefore, it has been classified as a Variant of Uncertain Significance. Algorithms developed to predict the effect of sequence changes on RNA splicing suggest that this variant may create or strengthen a splice site. Algorithms developed to predict the effect of missense changes on protein structure and function are either unavailable or do not agree on the potential impact of this missense change (SIFT: "Deleterious"; PolyPhen-2: "Probably Damaging"; Align-GVGD: "Class C0"). This variant is not present in population databases (gnomAD no frequency). This sequence change replaces proline, which is neutral and non-polar, with glutamine, which is neutral and polar, at codon 669 of the SORL1 protein (p.Pro669Gln).

NM_003105.6(SORL1):c.2006C>A (p.Pro669Gln)

Gene: SORL1 (sortilin related receptor 1; plus strand). Cytogenetic location: 11q24.1.
Variant type: single nucleotide variant.
Coding change: c.2006C>A on transcript NM_003105.6 (MANE Select); coding-DNA position 2006, C replaced by A.
Protein change: p.Pro669Gln; replaces proline 669 with glutamine.
Molecular consequence: missense variant.
Genome position (GRCh38, 1-based): chr11:121,545,384, C>A. VCF-style: chr11-121545384-C-A. GRCh37 (hg19) VCF-style: chr11-121416093-C-A.
Other names: short protein forms P669Q.
Identifiers: ClinVar variation 2998472 (VCV002998472.3), dbSNP rs148329896, ClinGen allele CA383030594.
Genomic context (GRCh38, chr11:121,545,384, plus strand): 5'-CTGTTTTCAAACGGCGGACCCCCCATGCCACATGCTTCAATGGAGAGGACTTTGACAGGC[C>A]GGTGGTCGTGTCCAACTGCTCCTGCACCCGGGAGGACTATGAGTGGTCAGTTCTTCTTTG-3'
Protein context (NP_003096.2, residues 659-679): TCFNGEDFDR[Pro669Gln]VVVSNCSCTR